The following is an entry in ClinVar:

NM_020708.5(SLC12A5):c.464C>T (p.Thr155Met)

Gene: SLC12A5 (solute carrier family 12 member 5; plus strand). Cytogenetic location: 20q13.12.
Variant type: single nucleotide variant.
Coding change: c.464C>T on transcript NM_020708.5 (MANE Select); coding-DNA position 464, C replaced by T.
Protein change: p.Thr155Met; replaces threonine 155 with methionine.
Molecular consequence: missense variant.
Genome position (GRCh38, 1-based): chr20:46,036,778, C>T. VCF-style: chr20-46036778-C-T. GRCh37 (hg19) VCF-style: chr20-44665417-C-T.
Other names: c.533C>T, p.Thr178Met (NM_001134771.2); short protein forms T178M, T155M.
Identifiers: ClinVar variation 857432 (VCV000857432.10), dbSNP rs2084502373, ClinGen allele CA409188340.

ClinVar aggregate classification (germline): Uncertain significance (1 of 4 stars; one submission).

Conditions:
Developmental and epileptic encephalopathy, 34 (DEE34). Also called: Early infantile epileptic encephalopathy 34; SLC12A5-Related Epilepsy of Infancy with Migrating Focal Seizures. Identifiers: Orphanet 293181, MedGen C4225257, MONDO:0014718, OMIM 616645.

Allele frequency attached by ClinVar (database versions not stated): gnomAD exomes 0.00001.
gnomAD v4.1: 3 of 1,613,888 alleles (0.00019%); highest among the groups gnomAD compares: Non-Finnish European, 0.00017%; no homozygotes.

Submission:

Labcorp Genetics (formerly Invitae), Labcorp
Classification: Uncertain significance for Developmental and epileptic encephalopathy, 34. Last evaluated: 2019-01-26. Review status: criteria provided, single submitter. Criteria: Invitae Variant Classification Sherloc (09022015). Collection method: clinical testing. Allele origin: germline.
Comment: This variant has not been reported in the literature in individuals with SLC12A5-related conditions. In summary, the available evidence is currently insufficient to determine the role of this variant in disease. Therefore, it has been classified as a Variant of Uncertain Significance. Algorithms developed to predict the effect of missense changes on protein structure and function are either unavailable or do not agree on the potential impact of this missense change (SIFT: "Deleterious"; PolyPhen-2: "Probably Damaging"; Align-GVGD: "Class C0"). This variant is not present in population databases (ExAC no frequency). This sequence change replaces threonine with methionine at codon 155 of the SLC12A5 protein (p.Thr155Met). The threonine residue is highly conserved and there is a moderate physicochemical difference between threonine and methionine.